The following is an entry in ClinVar:

NM_001005242.3(PKP2):c.2479C>T (p.Arg827Trp)

Gene: PKP2 (plakophilin 2; minus strand). Cytogenetic location: 12p11.21.
Variant type: single nucleotide variant.
Coding change: c.2479C>T on transcript NM_001005242.3 (MANE Select); coding-DNA position 2479, C replaced by T.
Protein change: p.Arg827Trp; replaces arginine 827 with tryptophan.
Molecular consequence: missense variant.
Genome position (GRCh38, 1-based): chr12:32,792,459, G>A on the plus strand (C>T on the coding strand, the complement: PKP2 is on the minus strand). VCF-style: chr12-32792459-G-A. GRCh37 (hg19) VCF-style: chr12-32945393-G-A.
Other names: c.2611C>T, p.Arg871Trp (NM_004572.4); short protein forms R827W, R871W.
Identifiers: ClinVar variation 928325 (VCV000928325.8), dbSNP rs754873048, ClinGen allele CA036280.

ClinVar aggregate classification (germline): Uncertain significance. Review status: criteria provided, multiple submitters, no conflicts (2 of 4 stars). 3 submissions from 3 submitters: Uncertain significance (3). Last evaluated 2025-09-02.

Conditions:
Arrhythmogenic right ventricular cardiomyopathy (ARVD). Also called: Arrhythmogenic cardiomyopathy; Cardiomyopathy, ARVC; Arrhythmogenic right ventricular dysplasia; Arrhythmogenic Right Ventricular Cardiomyopathy (ARVC). Identifiers: Orphanet 247, MedGen C0349788, MeSH D019571, MONDO:0016587. Disease mechanism: loss of function. Inheritance: Various modes of inheritance.
Cardiomyopathy (CMYO). Also called: Cardiomyopathies. Identifiers: Orphanet 167848, MedGen C0878544, MONDO:0004994, HP:0001638. Inheritance: Various modes of inheritance.
Arrhythmogenic right ventricular dysplasia 9 (ARVD9). Also called: Arrhythmogenic Right Ventricular Dysplasia/Cardiomyopathy 9; ARRHYTHMOGENIC RIGHT VENTRICULAR DYSPLASIA, FAMILIAL, 9. Identifiers: MedGen C1836906, MONDO:0012180, OMIM 609040.

Allele frequency attached by ClinVar (database versions not stated): gnomAD exomes 0.00001; TOPMed 0.00001; ExAC 0.00002.
gnomAD v4.1: 9 of 1,613,754 alleles (0.00056%); highest among the groups gnomAD compares: Admixed American, 0.0067%; no homozygotes.

Submissions (3):

Labcorp Genetics (formerly Invitae), Labcorp
Classification: Uncertain significance for Arrhythmogenic right ventricular dysplasia 9. Last evaluated: 2025-09-02. Review status: criteria provided, single submitter. Criteria: Invitae Variant Classification Sherloc (09022015). Collection method: clinical testing. Allele origin: germline.
Comment: This sequence change replaces arginine, which is basic and polar, with tryptophan, which is neutral and slightly polar, at codon 871 of the PKP2 protein (p.Arg871Trp). This variant is present in population databases (rs754873048, gnomAD 0.006%). This missense change has been observed in individual(s) with dilated cardiomyopathy (PMID: 31983221). ClinVar contains an entry for this variant (Variation ID: 928325). An algorithm developed to predict the effect of missense changes on protein structure and function (PolyPhen-2) suggests that this variant is likely to be tolerated. In summary, the available evidence is currently insufficient to determine the role of this variant in disease. Therefore, it has been classified as a Variant of Uncertain Significance.

All of Us Research Program, National Institutes of Health
Classification: Uncertain significance for Arrhythmogenic right ventricular cardiomyopathy. Last evaluated: 2024-02-22. Review status: criteria provided, single submitter. Criteria: ACMG Guidelines, 2015. Collection method: clinical testing. Allele origin: germline. Inheritance: Autosomal dominant inheritance. Observed: 1 variant allele, 1 heterozygote.
Comment: This missense variant replaces arginine with tryptophan at codon 871 of the PKP2 protein. Computational prediction is inconclusive regarding the impact of this variant on protein structure and function (internally defined REVEL score threshold 0.5 < inconclusive < 0.7, PMID: 27666373). Splice site prediction tools suggest that this variant may not impact RNA splicing. To our knowledge, functional studies have not been performed for this variant. This variant has not been reported in individuals affected with cardiovascular disorders in the literature. This variant has been identified in 3/251454 chromosomes in the general population by the Genome Aggregation Database (gnomAD). The available evidence is insufficient to determine the role of this variant in disease conclusively. Therefore, this variant is classified as a Variant of Uncertain Significance.

This study involves interpretation of variants in research participants for the purpose of population health screening. Participant phenotype was not available at the time of variant classification. Additional details can be found in publication PMID: 35346344, PMCID: PMC8962531

Color Diagnostics, LLC DBA Color Health
Classification: Uncertain significance for Cardiomyopathy. Last evaluated: 2024-02-07. Review status: criteria provided, single submitter. Criteria: ACMG Guidelines, 2015. Collection method: clinical testing. Allele origin: germline.
Comment: This missense variant replaces arginine with tryptophan at codon 871 of the PKP2 protein. Computational prediction is inconclusive regarding the impact of this variant on protein structure and function (internally defined REVEL score threshold 0.5 < inconclusive < 0.7, PMID: 27666373). To our knowledge, functional studies have not been reported for this variant. This variant has been reported in two individuals affected with dilated cardiomyopathy (PMID: 31983221). This variant has been identified in 3/251454 chromosomes in the general population by the Genome Aggregation Database (gnomAD). The available evidence is insufficient to determine the role of this variant in disease conclusively. Therefore, this variant is classified as a Variant of Uncertain Significance.

Literature cited by the submitters: PubMed 31983221 (cited by Labcorp Genetics (formerly Invitae), Labcorp and Color Diagnostics, LLC DBA Color Health).